The following is an entry in ClinVar:

ClinVar aggregate classification (germline): Uncertain significance (1 of 4 stars; one submission).

Submission:

Labcorp Genetics (formerly Invitae), Labcorp
Classification: Uncertain significance. Last evaluated: 2023-08-10. Review status: criteria provided, single submitter. Criteria: Invitae Variant Classification Sherloc (09022015). Collection method: clinical testing. Allele origin: germline.
Comment: In summary, the available evidence is currently insufficient to determine the role of this variant in disease. Therefore, it has been classified as a Variant of Uncertain Significance. Advanced modeling of protein sequence and biophysical properties (such as structural, functional, and spatial information, amino acid conservation, physicochemical variation, residue mobility, and thermodynamic stability) performed at Invitae indicates that this missense variant is expected to disrupt CDK13 protein function. This variant has not been reported in the literature in individuals affected with CDK13-related conditions. This variant is not present in population databases (gnomAD no frequency). This sequence change replaces leucine, which is neutral and non-polar, with phenylalanine, which is neutral and non-polar, at codon 853 of the CDK13 protein (p.Leu853Phe).

NM_003718.5(CDK13):c.2557C>T (p.Leu853Phe)

Gene: CDK13 (cyclin dependent kinase 13; plus strand). Cytogenetic location: 7p14.1.
Variant type: single nucleotide variant.
Coding change: c.2557C>T on transcript NM_003718.5 (MANE Select); coding-DNA position 2557, C replaced by T.
Protein change: p.Leu853Phe; replaces leucine 853 with phenylalanine.
Molecular consequence: missense variant.
Genome position (GRCh38, 1-based): chr7:40,047,834, C>T. VCF-style: chr7-40047834-C-T. GRCh37 (hg19) VCF-style: chr7-40087433-C-T.
Other names: c.2557C>T, p.Leu853Phe (NM_031267.4); short protein forms L853F.
Identifiers: ClinVar variation 2835575 (VCV002835575.3), dbSNP rs2483947250, ClinGen allele CA367280836.